The following is an entry in ClinVar:

ClinVar aggregate classification (germline): Uncertain significance (1 of 4 stars; one submission).

Conditions:
Coffin-Lowry syndrome (CLS). Also called: COFFIN-LOWRY SYNDROME, MILD; Mental retardation with osteocartilaginous abnormalities. Identifiers: Orphanet 192, MedGen C0265252, MONDO:0010561, OMIM 303600.

Submission:

Institute of Human Genetics, University of Leipzig Medical Center
Classification: Uncertain significance for Coffin-Lowry syndrome. Last evaluated: 2026-03-03. Review status: criteria provided, single submitter. Criteria: ACMG Guidelines, 2015. Collection method: clinical testing. Allele origin: unknown. Inheritance: X-linked dominant inheritance. Affected: yes.
Comment: Criteria applied: PM2,PP2,PP3

NM_004586.3(RPS6KA3):c.685T>G (p.Cys229Gly)

Gene: RPS6KA3 (ribosomal protein S6 kinase A3; minus strand). Cytogenetic location: Xp22.12.
Variant type: single nucleotide variant.
Coding change: c.685T>G on transcript NM_004586.3 (MANE Select); coding-DNA position 685, T replaced by G.
Protein change: p.Cys229Gly; replaces cysteine 229 with glycine.
Molecular consequence: missense variant.
Genome position (GRCh38, 1-based): chrX:20,187,917, A>C on the plus strand (T>G on the coding strand, the complement: RPS6KA3 is on the minus strand). VCF-style: chrX-20187917-A-C. GRCh37 (hg19) VCF-style: chrX-20206035-A-C.
Other names: c.601T>G, p.Cys201Gly (NM_001438340.1); short protein forms C201G, C229G.
Identifiers: ClinVar variation 4819120 (VCV004819120.1).